The following is an entry in ClinVar:

ClinVar aggregate classification (germline): Uncertain significance (1 of 4 stars; one submission).

Conditions:
Inborn genetic diseases. Identifiers: MedGen C0950123, MeSH D030342.

Submission:

Ambry Genetics
Classification: Uncertain significance for Inborn genetic diseases. Last evaluated: 2025-01-06. Review status: criteria provided, single submitter. Criteria: Ambry Variant Classification Scheme 2023. Collection method: clinical testing. Allele origin: germline.
Comment: The p.K468E variant (also known as c.1402A>G), located in coding exon 10 of the DNMT3A gene, results from an A to G substitution at nucleotide position 1402. The lysine at codon 468 is replaced by glutamic acid, an amino acid with similar properties. This amino acid position is conserved. In addition, this alteration is predicted to be tolerated by in silico analysis. Based on the available evidence, the clinical significance of this variant remains unclear.

NM_022552.5(DNMT3A):c.1402A>G (p.Lys468Glu)

Gene: DNMT3A (DNA methyltransferase 3 alpha; minus strand). Cytogenetic location: 2p23.3.
Variant type: single nucleotide variant.
Coding change: c.1402A>G on transcript NM_022552.5 (MANE Select); coding-DNA position 1402, A replaced by G.
Protein change: p.Lys468Glu; replaces lysine 468 with glutamic acid.
Molecular consequence: missense variant. On other transcripts: non-coding transcript variant (1).
Genome position (GRCh38, 1-based): chr2:25,246,187, T>C on the plus strand (A>G on the coding strand, the complement: DNMT3A is on the minus strand). VCF-style: chr2-25246187-T-C. GRCh37 (hg19) VCF-style: chr2-25469056-T-C.
Other names: c.946A>G, p.Lys316Glu (NM_001320893.1); c.733A>G, p.Lys245Glu (NM_001375819.1); c.835A>G, p.Lys279Glu (NM_153759.3); c.1402A>G, p.Lys468Glu (NM_175629.2); short protein forms K316E, K245E, K279E, K468E.
Identifiers: ClinVar variation 3841758 (VCV003841758.1).
Genomic context (GRCh38, chr2:25,246,187, plus strand): 5'-TGGTGCCACCCTCTCCAGAAGCAGGCCAACTACCTCTTGTGCGCTCATCAATAATCTCCT[T>C]GACCTTGGGCTTCTCCGCTGTGCTCTTCCGGGGCTTTTTGGCTGGTGGAGGTGGTGCGTA-3'
Protein context (NP_072046.2, residues 458-478): RKSTAEKPKV[Lys468Glu]EIIDERTRER